The following is an entry in ClinVar:

NM_000617.3(SLC11A2):c.4G>T (p.Val2Leu)

Gene: SLC11A2 (solute carrier family 11 member 2; minus strand). Cytogenetic location: 12q13.12.
Variant type: single nucleotide variant.
Coding change: c.4G>T on transcript NM_000617.3 (MANE Select); coding-DNA position 4, G replaced by T.
Protein change: p.Val2Leu; replaces valine 2 with leucine.
Molecular consequence: missense variant. On other transcripts: non-coding transcript variant (5).
Genome position (GRCh38, 1-based): chr12:51,010,725, C>A on the plus strand (G>T on the coding strand, the complement: SLC11A2 is on the minus strand). VCF-style: chr12-51010725-C-A. GRCh37 (hg19) VCF-style: chr12-51404508-C-A.
Other names: c.91G>T, p.Val31Leu (NM_001174125.2, NM_001379446.1, NM_001379455.1); c.4G>T, p.Val2Leu (NM_001174126.2, NM_001174127.2, NM_001174128.2 and 5 more transcripts); c.-28G>T (NM_001414747.1, NM_001414748.1); short protein forms V31L, V2L.
Identifiers: ClinVar variation 1408546 (VCV001408546.7), dbSNP rs762762552, ClinGen allele CA6566914.

ClinVar aggregate classification (germline): Uncertain significance (1 of 4 stars; one submission).

Allele frequency attached by ClinVar (database versions not stated): ExAC 0.00003; gnomAD exomes 0.00003 and 0.00004; gnomAD 0.00005; TOPMed 0.00007.
gnomAD v4.1: 64 of 1,606,110 alleles (0.004%); highest among the groups gnomAD compares: Middle Eastern, 0.016%; no homozygotes.

Submission:

Labcorp Genetics (formerly Invitae), Labcorp
Classification: Uncertain significance. Last evaluated: 2026-01-05. Review status: criteria provided, single submitter. Criteria: Invitae Variant Classification Sherloc (09022015). Collection method: clinical testing. Allele origin: germline.
Comment: This sequence change replaces valine, which is neutral and non-polar, with leucine, which is neutral and non-polar, at codon 2 of the SLC11A2 protein (p.Val2Leu). This variant is present in population databases (rs762762552, gnomAD 0.006%). This variant has not been reported in the literature in individuals affected with SLC11A2-related conditions. ClinVar contains an entry for this variant (Variation ID: 1408546). An algorithm developed to predict the effect of missense changes on protein structure and function (PolyPhen-2) suggests that this variant is likely to be tolerated. In summary, the available evidence is currently insufficient to determine the role of this variant in disease. Therefore, it has been classified as a Variant of Uncertain Significance.